The following is an entry in ClinVar:

ClinVar aggregate classification (germline): Uncertain significance. Review status: reviewed by expert panel (3 of 4 stars). 3 submissions from 3 submitters: Uncertain significance (1). 2 of the submissions do not count toward it. Last evaluated 2026-10-23.

Conditions:
Alexander disease (ALXDRD). Also called: Alexander's disease. Identifiers: Orphanet 58, MedGen C0270726, MONDO:0008752, OMIM 203450.

Submissions (3):

ClinGen Leukodystrophy and Leukoencephalopathy Variant Curation Expert Panel, ClinGen
Classification: Uncertain significance for Alexander disease. Last evaluated: 2026-10-23. Review status: reviewed by expert panel. Criteria: ClinGen Leuko ACMG Specifications GFAP V1.0. Collection method: curation. Allele origin: germline. Inheritance: Autosomal dominant inheritance.
Comment: The c.1112A>G variant in GFAP is a missense variant predicted to cause substitution of glutamic acid by glycine at amino acid 371 (p.Glu371Gly). This variant has been reported in 1 proband meeting definite diagnostic criteria for Alexander disease [PS4_supporting]; PMID: 16168595. One missense variant, c.1111G>A, p.Glu371Lys (ClinVar Variation ID 1199219), in the same codon has been classified as likely pathogenic/pathogenic for Alexander disease by the ClinGen Leukodystrophy and Leukoencephalopathy VCEP [PM5]. This variant is absent from gnomAD v4.1.0 [PM2_Supporting]. In summary, this variant meets the criteria to be classified as a variant of uncertain significance for Alexander disease based on the ACMG/AMP criteria applied, as specified by the ClinGen Leukodystrophy and Leukoencephalopathy Expert Panel Specifications to the ACMG/AMP Variant Interpretation Guidelines for GFAP Version 1.0.0): (PS4_supporting, PM5, PM2_supporting).

Epithelial Biology;  Institute of Medical Biology, Singapore
No classification provided. Review status: no classification provided. Collection method: not provided. Allele origin: not provided. Not counted in ClinVar's aggregate classification.

GeneReviews
No classification provided. Condition: Alexander disease. Review status: no classification provided. Collection method: literature only. Allele origin: germline. Affected: yes. Not counted in ClinVar's aggregate classification.

Literature cited by the submitters: PubMed 16168595 (cited by GeneReviews); NCBI Bookshelf NBK1172 (cited by GeneReviews).

NM_002055.5(GFAP):c.1112A>G (p.Glu371Gly)

Genes: GFAP (glial fibrillary acidic protein; minus strand), LOC130060994 (ATAC-STARR-seq lymphoblastoid active region 12266; plus strand). Cytogenetic location: 17q21.31.
Variant type: single nucleotide variant.
Coding change: c.1112A>G on transcript NM_002055.5 (MANE Select); coding-DNA position 1112, A replaced by G.
Protein change: p.Glu371Gly; replaces glutamic acid 371 with glycine.
Molecular consequence: missense variant.
Genome position (GRCh38, 1-based): chr17:44,911,251, T>C on the plus strand (A>G on the coding strand, the complement: GFAP is on the minus strand). VCF-style: chr17-44911251-T-C. GRCh37 (hg19) VCF-style: chr17-42988619-T-C.
Other names: NM_002055.5(GFAP):c.1112A>G; c.1112A>G, p.Glu371Gly (NM_001131019.3, NM_001242376.3, NM_001363846.2); short protein forms E371G.
Identifiers: ClinVar variation 66437 (VCV000066437.4), dbSNP rs57815192, ClinGen allele CA217115.